The following is an entry in ClinVar:

ClinVar aggregate classification (germline): Uncertain significance (1 of 4 stars; one submission).

Conditions:
Congenital disorder of deglycosylation (CDDG). Identifiers: MedGen C3808991, MONDO:0031376.

Allele frequency attached by ClinVar (database versions not stated): gnomAD 0.00001; gnomAD exomes 0.00001; ExAC 0.00002; TOPMed 0.00003.
gnomAD v4.1: 5 of 1,612,136 alleles (0.00031%); highest among the groups gnomAD compares: African/African-American, 0.0067%; no homozygotes.

Submission:

Labcorp Genetics (formerly Invitae), Labcorp
Classification: Uncertain significance for Congenital disorder of deglycosylation. Last evaluated: 2022-01-15. Review status: criteria provided, single submitter. Criteria: Invitae Variant Classification Sherloc (09022015). Collection method: clinical testing. Allele origin: germline.
Comment: This sequence change replaces serine, which is neutral and polar, with arginine, which is basic and polar, at codon 599 of the NGLY1 protein (p.Ser599Arg). This variant is present in population databases (rs773753144, gnomAD 0.03%). This variant has not been reported in the literature in individuals affected with NGLY1-related conditions. Algorithms developed to predict the effect of missense changes on protein structure and function are either unavailable or do not agree on the potential impact of this missense change (SIFT: "Deleterious"; PolyPhen-2: "Benign"; Align-GVGD: "Class C0"). In summary, the available evidence is currently insufficient to determine the role of this variant in disease. Therefore, it has been classified as a Variant of Uncertain Significance.

NM_018297.4(NGLY1):c.1797T>A (p.Ser599Arg)

Gene: NGLY1 (N-glycanase 1; minus strand). Cytogenetic location: 3p24.2.
Variant type: single nucleotide variant.
Coding change: c.1797T>A on transcript NM_018297.4 (MANE Select); coding-DNA position 1797, T replaced by A.
Protein change: p.Ser599Arg; replaces serine 599 with arginine.
Molecular consequence: missense variant.
Genome position (GRCh38, 1-based): chr3:25,719,628, A>T on the plus strand (T>A on the coding strand, the complement: NGLY1 is on the minus strand). VCF-style: chr3-25719628-A-T. GRCh37 (hg19) VCF-style: chr3-25761119-A-T.
Other names: c.1743T>A, p.Ser581Arg (NM_001145293.2); c.1671T>A, p.Ser557Arg (NM_001145294.2); c.1619T>A, p.Val540Asp (NM_001145295.2); short protein forms S581R, S557R, S599R, V540D.
Identifiers: ClinVar variation 1986760 (VCV001986760.1), dbSNP rs773753144, ClinGen allele CA2289048.